The following is an entry in ClinVar:

NM_001271.4(CHD2):c.1153+1G>C

Gene: CHD2 (chromodomain helicase DNA binding protein 2; plus strand). Cytogenetic location: 15q26.1.
Variant type: single nucleotide variant.
Coding change: c.1153+1G>C on transcript NM_001271.4 (MANE Select); the canonical splice donor site of the intron after coding-DNA position 1153, G replaced by C.
Molecular consequence: splice donor variant.
Genome position (GRCh38, 1-based): chr15:92,944,516, G>C. VCF-style: chr15-92944516-G-C. GRCh37 (hg19) VCF-style: chr15-93487746-G-C.
Other names: c.1153+1G>C (NM_001042572.3).
Identifiers: ClinVar variation 2444627 (VCV002444627.2), dbSNP rs2505452084, ClinGen allele CA393903254.

ClinVar aggregate classification (germline): Pathogenic. Review status: criteria provided, multiple submitters, no conflicts (2 of 4 stars). 2 submissions from 2 submitters: Pathogenic (2). Last evaluated 2025-12-10.

Conditions:
Developmental and epileptic encephalopathy 94 (DEE94). Also called: Epileptic encephalopathy, childhood-onset; CHD2-Related Neurodevelopmental Disorders. Identifiers: Orphanet 1942, Orphanet 2382, MedGen C3809278, MONDO:0014150, OMIM 615369.

Submissions (2):

3billion
Classification: Pathogenic for Developmental and epileptic encephalopathy 94. Last evaluated: 2025-12-10. Review status: criteria provided, single submitter. Criteria: ACMG Guidelines, 2015. Collection method: clinical testing. Allele origin: germline. Affected: yes.
Comment: The variant is not observed in the gnomAD v4.1.0 dataset. Predicted Consequence/Location: Canonical splice site: predicted to alter splicing and result in a loss or disruption of normal protein function. Multiple pathogenic loss-of-function variants are reported downstream of the variant. In silico tools predict the variant to alter splicing and produce an abnormal transcript [SpliceAI: 0.98 (spliceogenicity >=0.2, non-spliceogenicity <0.1)]. The variant has been reported to be associated with CHD2-related disorder (ClinVar ID: VCV002444627). Therefore, this variant is classified as Pathogenic according to the recommendation of ACMG/AMP guideline.

GeneDx
Classification: Pathogenic. Last evaluated: 2023-03-20. Review status: criteria provided, single submitter. Criteria: GeneDx Variant Classification Process June 2021. Collection method: clinical testing. Allele origin: germline. Affected: yes.
Comment: Canonical splice site variant predicted to result in a null allele in a gene for which loss of function is a known mechanism of disease; Not observed at significant frequency in large population cohorts (gnomAD); Has not been previously published as pathogenic or benign to our knowledge